The following is an entry in ClinVar:

ClinVar aggregate classification (germline): Uncertain significance (1 of 4 stars; one submission).

Submission:

GeneDx
Classification: Uncertain significance. Last evaluated: 2026-02-05. Review status: criteria provided, single submitter. Criteria: GeneDx Variant Classification Process June 2021. Collection method: clinical testing. Allele origin: germline.
Comment: Not observed at significant frequency in large population cohorts (gnomAD); In silico analysis suggests that this missense variant does not alter protein structure/function; Has not been previously published as pathogenic or benign to our knowledge; Occurs in the triple helical domain at the Y position in the canonical Gly-X-Y repeat; although this variant may have an effect on normal protein folding and function, missense substitution at the Y position is not a common mechanism of disease (HGMD)

NM_000089.4(COL1A2):c.2446G>C (p.Glu816Gln)

Gene: COL1A2 (collagen type I alpha 2 chain; plus strand). Cytogenetic location: 7q21.3.
Variant type: single nucleotide variant.
Coding change: c.2446G>C on transcript NM_000089.4 (MANE Select); coding-DNA position 2446, G replaced by C.
Protein change: p.Glu816Gln; replaces glutamic acid 816 with glutamine.
Molecular consequence: missense variant.
Genome position (GRCh38, 1-based): chr7:94,422,999, G>C. VCF-style: chr7-94422999-G-C. GRCh37 (hg19) VCF-style: chr7-94052311-G-C.
Other names: short protein forms E816Q.
Identifiers: ClinVar variation 4975975 (VCV004975975.1).